The following is an entry in ClinVar:

ClinVar aggregate classification (germline): Uncertain significance (1 of 4 stars; one submission).

Submission:

Labcorp Genetics (formerly Invitae), Labcorp
Classification: Uncertain significance. Last evaluated: 2021-05-17. Review status: criteria provided, single submitter. Criteria: Invitae Variant Classification Sherloc (09022015). Collection method: clinical testing. Allele origin: germline.
Comment: This variant is not present in population databases (ExAC no frequency). In summary, the available evidence is currently insufficient to determine the role of this variant in disease. Therefore, it has been classified as a Variant of Uncertain Significance. Algorithms developed to predict the effect of missense changes on protein structure and function (SIFT, PolyPhen-2, Align-GVGD) all suggest that this variant is likely to be disruptive, but these predictions have not been confirmed by published functional studies and their clinical significance is uncertain. This variant has not been reported in the literature in individuals with TRPM1-related conditions. This sequence change replaces glutamine with arginine at codon 985 of the TRPM1 protein (p.Gln985Arg). The glutamine residue is highly conserved and there is a small physicochemical difference between glutamine and arginine.

NM_001252024.2(TRPM1):c.3020A>G (p.Gln1007Arg)

Genes: TRPM1 (transient receptor potential cation channel subfamily M member 1; minus strand), TRPM1-AS1 (TRPM1 antisense RNA 1; plus strand). Cytogenetic location: 15q13.3.
Variant type: single nucleotide variant.
Coding change: c.3020A>G on transcript NM_001252024.2 (MANE Select); coding-DNA position 3020, A replaced by G.
Protein change: p.Gln1007Arg; replaces glutamine 1007 with arginine.
Molecular consequence: missense variant.
Genome position (GRCh38, 1-based): chr15:31,031,090, T>C on the plus strand (A>G on the coding strand, the complement: TRPM1 is on the minus strand). VCF-style: chr15-31031090-T-C. GRCh37 (hg19) VCF-style: chr15-31323293-T-C.
Other names: c.3071A>G, p.Gln1024Arg (NM_001252020.2); c.2954A>G, p.Gln985Arg (NM_002420.6); short protein forms Q1007R, Q985R, Q1024R.
Identifiers: ClinVar variation 1506513 (VCV001506513.8), dbSNP rs2140909211, ClinGen allele CA391544807.